The following is an entry in ClinVar:

NM_001270974.2(HYDIN):c.11883T>C (p.Ser3961=)

Gene: HYDIN (HYDIN axonemal central pair apparatus protein; minus strand). Cytogenetic location: 16q22.2.
Variant type: single nucleotide variant.
Coding change: c.11883T>C on transcript NM_001270974.2 (MANE Select); coding-DNA position 11883, T replaced by C.
Protein change: p.Ser3961=; no amino-acid change (serine 3961 retained).
Molecular consequence: synonymous variant.
Genome position (GRCh38, 1-based): chr16:70,860,796, A>G on the plus strand (T>C on the coding strand, the complement: HYDIN is on the minus strand). VCF-style: chr16-70860796-A-G. GRCh37 (hg19) VCF-style: chr16-70894699-A-G.
Identifiers: ClinVar variation 3771175 (VCV003771175.13).

ClinVar aggregate classification (germline): Likely benign (1 of 4 stars; one submission).

Submission:

CeGaT Center for Human Genetics Tuebingen
Classification: Likely benign. Last evaluated: 2025-02-01. Review status: criteria provided, single submitter. Criteria: CeGaT Center For Human Genetics Tuebingen Variant Classification Criteria Version 2. Collection method: clinical testing. Allele origin: germline. Affected: yes. Observed: 1 variant allele.
Comment: HYDIN: PM2:Supporting, BP4, BP7